The following is an entry in ClinVar:

ClinVar aggregate classification (germline): Uncertain significance (1 of 4 stars; one submission).

Submission:

Labcorp Genetics (formerly Invitae), Labcorp
Classification: Uncertain significance. Last evaluated: 2022-12-31. Review status: criteria provided, single submitter. Criteria: Invitae Variant Classification Sherloc (09022015). Collection method: clinical testing. Allele origin: unknown.
Comment: In summary, the available evidence is currently insufficient to determine the role of this variant in disease. Therefore, it has been classified as a Variant of Uncertain Significance. Experimental studies and prediction algorithms are not available or were not evaluated, and the functional significance of this variant is currently unknown. This variant has not been reported in the literature in individuals affected with PHEX-related conditions. This variant results in a copy number gain of the genomic region encompassing exon(s) 14-22 of the PHEX gene. This region includes the termination codon of the gene. This copy number gain extends beyond the assayed region for this gene and therefore may encompass additional genes. As the precise location of this event is unknown, it may be in tandem or it may be located elsewhere in the genome.

NC_000023.10:g.(?_22196370)_(22266301_?)dup

Gene: PHEX (phosphate regulating endopeptidase X-linked; plus strand). Cytogenetic location: Xp22.11.
Variant type: Duplication.
Identifiers: ClinVar variation 3246099 (VCV003246099.1).